The following is an entry in ClinVar:

NM_000038.6(APC):c.1405C>T (p.Leu469=)

Gene: APC (APC regulator of Wnt signaling pathway; plus strand). Cytogenetic location: 5q22.2.
Variant type: single nucleotide variant.
Coding change: c.1405C>T on transcript NM_000038.6 (MANE Select); coding-DNA position 1405, C replaced by T.
Protein change: p.Leu469=; no amino-acid change (leucine 469 retained).
Molecular consequence: synonymous variant.
Genome position (GRCh38, 1-based): chr5:112,821,988, C>T. VCF-style: chr5-112821988-C-T. GRCh37 (hg19) VCF-style: chr5-112157685-C-T.
Other names: c.1330C>T, p.Leu444= (NM_001354898.2); c.1321C>T, p.Leu441= (NM_001354899.2); c.1228C>T, p.Leu410= (NM_001354900.2, NM_001354901.2); c.1132C>T, p.Leu378= (NM_001354902.2); c.1027C>T, p.Leu343= (NM_001354904.2); c.925C>T, p.Leu309= (NM_001354905.2); c.556C>T, p.Leu186= (NM_001354906.2); c.1102C>T, p.Leu368= (NM_001354903.2); and 3 more.
Identifiers: ClinVar variation 420712 (VCV000420712.22), dbSNP rs746293695, ClinGen allele CA027334.

ClinVar aggregate classification (germline): Conflicting classifications of pathogenicity. Review status: criteria provided, conflicting classifications (1 of 4 stars). 8 submissions from 8 submitters: Uncertain significance (1); Benign (1); Likely benign (6). Last evaluated 2025-12-31.

Conditions:
Classic or attenuated familial adenomatous polyposis. Identifiers: MedGen CN372698, MONDO:0021057.
Familial adenomatous polyposis 1 (FAP1). Also called: FAMILIAL ADENOMATOUS POLYPOSIS 1, ATTENUATED; POLYPOSIS, ADENOMATOUS INTESTINAL. Identifiers: MedGen C2713442, MONDO:0021056, OMIM 175100. Disease mechanism: loss of function.
Hereditary cancer-predisposing syndrome. Also called: Hereditary neoplastic syndrome; Tumor predisposition; Neoplastic Syndromes, Hereditary; Hereditary Cancer Syndrome. Identifiers: Orphanet 140162, MedGen C0027672, MeSH D009386, MONDO:0015356.

Allele frequency attached by ClinVar (database versions not stated): gnomAD exomes 0.00001 and 0.00003; ExAC 0.00002; TOPMed 0.00002.
gnomAD v4.1: 10 of 1,602,276 alleles (0.00062%); highest among the groups gnomAD compares: Admixed American, 0.015%; no homozygotes.

Submissions (8):

Labcorp Genetics (formerly Invitae), Labcorp
Classification: Likely benign for Familial adenomatous polyposis 1. Last evaluated: 2025-12-31. Review status: criteria provided, single submitter. Criteria: Invitae Variant Classification Sherloc (09022015). Collection method: clinical testing. Allele origin: germline.

Myriad Genetics, Inc.
Classification: Benign for Familial adenomatous polyposis 1. Last evaluated: 2024-03-01. Review status: criteria provided, single submitter. Criteria: Myriad Autosomal Dominant, Autosomal Recessive and X-Linked Classification Criteria (2023). Collection method: clinical testing. Allele origin: unknown.
Comment: This variant is considered benign. This variant is a silent/synonymous amino acid change and it is not expected to impact splicing.

All of Us Research Program, National Institutes of Health
Classification: Likely benign for Classic or attenuated familial adenomatous polyposis. Last evaluated: 2023-12-13. Review status: criteria provided, single submitter. Criteria: ACMG Guidelines, 2015. Collection method: clinical testing. Allele origin: germline. Inheritance: Autosomal dominant inheritance. Observed: 4 variant alleles, 4 heterozygotes.
Comment: This study involves interpretation of variants in research participants for the purpose of population health screening. Participant phenotype was not available at the time of variant classification. Additional details can be found in publication PMID: 35346344, PMCID: PMC8962531

Quest Diagnostics Nichols Institute San Juan Capistrano
Classification: Likely benign. Last evaluated: 2022-12-21. Review status: criteria provided, single submitter. Criteria: Quest Diagnostics criteria. Collection method: clinical testing. Allele origin: unknown.

Women's Health and Genetics/Laboratory Corporation of America, LabCorp
Classification: Likely benign. Last evaluated: 2019-08-20. Review status: criteria provided, single submitter. Criteria: LabCorp Variant Classification Summary - May 2015. Collection method: clinical testing. Allele origin: germline.

GeneDx
Classification: Uncertain significance. Last evaluated: 2018-10-16. Review status: criteria provided, single submitter. Criteria: GeneDx Variant Classification (06012015). Collection method: clinical testing. Allele origin: germline. Affected: yes.
Comment: This variant is denoted APC c.1405C>T at the DNA level. This variant is silent at the coding level, preserving a Leucine at codon 469. In-silico analysis, which includes splice predictors and evolutionary conservation, supports that this variant does not alter protein structure/function. This variant has not, to our knowledge, been published in the literature as a pathogenic or benign germline variant. This variant was not observed at a significant allele frequency in large population cohorts (Lek 2016). Based on currently available evidence, it is unclear whether APC c.1405C>T is a pathogenic or benign variant. We consider it to be a variant of uncertain significance.

Color Diagnostics, LLC DBA Color Health
Classification: Likely benign for Hereditary cancer-predisposing syndrome. Last evaluated: 2017-10-28. Review status: criteria provided, single submitter. Criteria: ACMG Guidelines, 2015. Collection method: clinical testing. Allele origin: germline.

Ambry Genetics
Classification: Likely benign for Hereditary cancer-predisposing syndrome. Last evaluated: 2015-05-19. Review status: criteria provided, single submitter. Criteria: Ambry Variant Classification Scheme 2023. Collection method: clinical testing. Allele origin: germline.